The following is an entry in ClinVar:

NM_002691.4(POLD1):c.1393C>T (p.Arg465Trp)

Gene: POLD1 (DNA polymerase delta 1, catalytic subunit; plus strand). Cytogenetic location: 19q13.33.
Variant type: single nucleotide variant.
Coding change: c.1393C>T on transcript NM_002691.4 (MANE Select); coding-DNA position 1393, C replaced by T.
Protein change: p.Arg465Trp; replaces arginine 465 with tryptophan.
Molecular consequence: missense variant. On other transcripts: non-coding transcript variant (1).
Genome position (GRCh38, 1-based): chr19:50,406,416, C>T. VCF-style: chr19-50406416-C-T. GRCh37 (hg19) VCF-style: chr19-50909673-C-T.
Other names: c.1393C>T, p.Arg465Trp (NM_001256849.1, NM_001308632.1); c.1393C>T (NM_002691.2); short protein forms R465W.
Identifiers: ClinVar variation 469197 (VCV000469197.9), dbSNP rs771858429, ClinGen allele CA9596134.
Genomic context (GRCh38, chr19:50,406,416, plus strand): 5'-TGGAAGGCCACTGCCCAGGCCCGCAGCCCACCAGCCCACCCACCCACCTAGGTGCTGCTG[C>T]GGGAGTACAAGCTCCGCTCCTACACGCTCAATGCCGTGAGCTTCCACTTCCTGGGCGAGC-3'
Protein context (NP_002682.2, residues 455-475): VQMDMLQVLL[Arg465Trp]EYKLRSYTLN

ClinVar aggregate classification (germline): Uncertain significance. Review status: criteria provided, multiple submitters, no conflicts (2 of 4 stars). 2 submissions from 2 submitters: Uncertain significance (2). Last evaluated 2025-12-10.

Conditions:
Hereditary cancer-predisposing syndrome. Also called: Neoplastic Syndromes, Hereditary; Hereditary neoplastic syndrome; Tumor predisposition; Hereditary Cancer Syndrome. Identifiers: Orphanet 140162, MedGen C0027672, MeSH D009386, MONDO:0015356.
POLD1-related polyposis and colorectal cancer syndrome (CRCS10). Also called: Colorectal cancer 10; COLORECTAL CANCER, SUSCEPTIBILITY TO, ON CHROMOSOME 19q; Colorectal cancer, susceptibility to, 10. Identifiers: Orphanet 220460, MedGen C2675481, MONDO:0012953, OMIM 612591.

Allele frequency attached by ClinVar (database versions not stated): ExAC 0.00001; gnomAD exomes 0.00001.
gnomAD v4.1: 7 of 1,602,926 alleles (0.00044%); highest among the groups gnomAD compares: South Asian, 0.0011%; no homozygotes.

Submissions (2):

Labcorp Genetics (formerly Invitae), Labcorp
Classification: Uncertain significance for POLD1-related polyposis and colorectal cancer syndrome. Last evaluated: 2025-12-10. Review status: criteria provided, single submitter. Criteria: Invitae Variant Classification Sherloc (09022015). Collection method: clinical testing. Allele origin: germline.
Comment: This sequence change replaces arginine, which is basic and polar, with tryptophan, which is neutral and slightly polar, at codon 465 of the POLD1 protein (p.Arg465Trp). The frequency data for this variant in the population databases is considered unreliable, as metrics indicate poor data quality at this position in the gnomAD database. This variant has not been reported in the literature in individuals affected with POLD1-related conditions. ClinVar contains an entry for this variant (Variation ID: 469197). Invitae Evidence Modeling of protein sequence and biophysical properties (such as structural, functional, and spatial information, amino acid conservation, physicochemical variation, residue mobility, and thermodynamic stability) indicates that this missense variant is expected to disrupt POLD1 protein function with a positive predictive value of 80%. In summary, the available evidence is currently insufficient to determine the role of this variant in disease. Therefore, it has been classified as a Variant of Uncertain Significance.

Ambry Genetics
Classification: Uncertain significance for Hereditary cancer-predisposing syndrome. Last evaluated: 2022-07-12. Review status: criteria provided, single submitter. Criteria: Ambry Variant Classification Scheme 2023. Collection method: clinical testing. Allele origin: germline.